The following is an entry in ClinVar:

ClinVar aggregate classification (germline): Conflicting classifications of pathogenicity. Review status: criteria provided, conflicting classifications (1 of 4 stars). 4 submissions from 4 submitters: Uncertain significance (2); Likely benign (2). Last evaluated 2026-10-16.

Conditions:
CHMP2B-related disorder. Also called: CHMP2B-related condition.
Frontotemporal dementia and/or amyotrophic lateral sclerosis 7 (FTDALS7). Also called: CHMP2B-Related Frontotemporal Dementia-Amyotrophic Lateral Sclerosis; AMYOTROPHIC LATERAL SCLEROSIS, CHMP2B-RELATED; Amyotrophic lateral sclerosis 17; CHMP2B-related frontotemporal dementia. Identifiers: Orphanet 275864, Orphanet 282, Orphanet 803, MedGen C1833296, MONDO:0010936, OMIM 600795.

Allele frequency attached by ClinVar (database versions not stated): gnomAD 0.00012 and 0.00013; ESP Exome Variant Server 0.00031; TOPMed 0.00019; ExAC 0.00023.
gnomAD v4.1: 246 of 1,612,998 alleles (0.015%); highest among the groups gnomAD compares: Non-Finnish European, 0.0038%; no homozygotes.

Submissions (4):

GeneDx
Classification: Uncertain significance. Last evaluated: 2026-10-16. Review status: criteria provided, single submitter. Criteria: GeneDx Variant Classification Process June 2021. Collection method: clinical testing. Allele origin: germline.
Comment: Reported in a proband with frontotemporal dementia; however, detailed clinical information was not provided (PMID: 31914217); Nonsense variant predicted to result in protein truncation or nonsense mediated decay in a gene or region of a gene for which loss of function is not a well-established mechanism of disease; This variant is associated with the following publications: (PMID: 40225153, 31914217, 31345219)

Labcorp Genetics (formerly Invitae), Labcorp
Classification: Likely benign for Frontotemporal dementia and/or amyotrophic lateral sclerosis 7. Last evaluated: 2025-11-19. Review status: criteria provided, single submitter. Criteria: Invitae Variant Classification Sherloc (09022015). Collection method: clinical testing. Allele origin: germline.

PreventionGenetics, part of Exact Sciences
Classification: Uncertain significance for CHMP2B-related condition. Last evaluated: 2025-06-11. Review status: criteria provided, single submitter. Criteria: ACMG Guidelines, 2015. Collection method: clinical testing. Allele origin: germline.
Comment: The CHMP2B c.64C>T variant is predicted to result in premature protein termination (p.Arg22*). While this variant has been reported in one individual with frontotemporal dementia (Ramos et al. 2020. PubMed ID: 31914217), in gnomAD, it is present at an elevated frequency in older individuals not known to be affected by neurodegeneration. Specifically, this variant is reported in 0.53% of alleles in individuals of Ashkenazi Jewish descent in gnomAD. Although we suspect this variant may be benign, at this time, the clinical significance of this variant is uncertain due to the absence of conclusive functional and genetic evidence.

Illumina Laboratory Services, Illumina
Classification: Likely benign for Frontotemporal dementia and/or amyotrophic lateral sclerosis 7. Last evaluated: 2017-09-12. Review status: criteria provided, single submitter. Criteria: ICSL Variant Classification Criteria 13 December 2019. Collection method: clinical testing. Allele origin: germline.
Comment: This variant was observed in the ICSL laboratory as part of a predisposition screen in an ostensibly healthy population. It had not been previously curated by ICSL or reported in the Human Gene Mutation Database (HGMD: prior to June 1st, 2018), and was therefore a candidate for classification through an automated scoring system. Utilizing variant allele frequency, disease prevalence and penetrance estimates, and inheritance mode, an automated score was calculated to assess if this variant is too frequent to cause the disease. Based on the score and internal cut-off values, a variant classified as likely benign is not then subjected to further curation. The score for this variant resulted in a classification of likely benign for this disease.

NM_014043.4(CHMP2B):c.64C>T (p.Arg22Ter)

Gene: CHMP2B (charged multivesicular body protein 2B; plus strand). Cytogenetic location: 3p11.2.
Variant type: single nucleotide variant.
Coding change: c.64C>T on transcript NM_014043.4 (MANE Select); coding-DNA position 64, C replaced by T.
Protein change: p.Arg22Ter; replaces arginine 22 with a stop codon.
Molecular consequence: nonsense. On other transcripts: intron variant (1).
Genome position (GRCh38, 1-based): chr3:87,240,728, C>T. VCF-style: chr3-87240728-C-T. GRCh37 (hg19) VCF-style: chr3-87289878-C-T.
Other names: c.4-4986C>T (NM_001244644.2); short protein forms R22*.
Identifiers: ClinVar variation 704339 (VCV000704339.21), dbSNP rs138886714, ClinGen allele CA2500884.